The following is an entry in ClinVar:

ClinVar aggregate classification (germline): Uncertain significance (1 of 4 stars; one submission).

Conditions:
GP9-related disorder. Also called: GP9-related condition.

Submission:

PreventionGenetics, part of Exact Sciences
Classification: Uncertain significance for GP9-related condition. Last evaluated: 2024-10-24. Review status: criteria provided, single submitter. Criteria: ACMG Guidelines, 2015. Collection method: clinical testing. Allele origin: germline.
Comment: The GP9 c.178A>T variant is predicted to result in the amino acid substitution p.Asn60Tyr. To our knowledge, this variant has not been reported in the literature or in a large population database (gnomAD), indicating this variant is rare. At this time, the clinical significance of this variant is uncertain due to the absence of conclusive functional and genetic evidence.

NM_000174.5(GP9):c.178A>T (p.Asn60Tyr)

Gene: GP9 (glycoprotein IX platelet; plus strand). Cytogenetic location: 3q21.3.
Variant type: single nucleotide variant.
Coding change: c.178A>T on transcript NM_000174.5 (MANE Select); coding-DNA position 178, A replaced by T.
Protein change: p.Asn60Tyr; replaces asparagine 60 with tyrosine.
Molecular consequence: missense variant.
Genome position (GRCh38, 1-based): chr3:129,061,917, A>T. VCF-style: chr3-129061917-A-T. GRCh37 (hg19) VCF-style: chr3-128780760-A-T.
Other names: short protein forms N60Y.
Identifiers: ClinVar variation 4983806 (VCV004983806.1).